The following is an entry in ClinVar:

NM_014241.4(HACD1):c.458G>A (p.Trp153Ter)

Gene: HACD1 (3-hydroxyacyl-CoA dehydratase 1; minus strand). Cytogenetic location: 10p12.33.
Variant type: single nucleotide variant.
Coding change: c.458G>A on transcript NM_014241.4 (MANE Select); coding-DNA position 458, G replaced by A.
Protein change: p.Trp153Ter; replaces tryptophan 153 with a stop codon.
Molecular consequence: nonsense.
Genome position (GRCh38, 1-based): chr10:17,603,585, C>T on the plus strand (G>A on the coding strand, the complement: HACD1 is on the minus strand). VCF-style: chr10-17603585-C-T. GRCh37 (hg19) VCF-style: chr10-17645584-C-T.
Other names: c.458G>A (NM_014241.3); short protein forms W153*.
Identifiers: ClinVar variation 1698408 (VCV001698408.4), dbSNP rs2493868037, ClinGen allele CA376196412.
Genomic context (GRCh38, chr10:17,603,585, plus strand): 5'-CAGGCTCAAGTAGACAACATGTTTGTGTCACTTACTGGTTTTATACTGTGAGTAATGAGC[C>T]ACACCATAAAGATTCTTGAACTCACTTGGACCCCAGTCACAATCACAGAAGTAGGTACAA-3'

ClinVar aggregate classification (germline): Likely pathogenic. Review status: criteria provided, single submitter (1 of 4 stars). 2 submissions from 2 submitters: Likely pathogenic (1). 1 of the submissions does not count toward it. Last evaluated 2024-10-04.

Conditions:
Congenital myopathy 11. Also called: Myopathy, congenital, nonprogressive. Identifiers: MedGen C3151531, MONDO:0859264, OMIM 619967.

Allele frequency attached by ClinVar (database versions not stated): gnomAD exomes below 0.00001.
gnomAD v4.1: 3 of 1,612,804 alleles (0.00019%); highest among the groups gnomAD compares: South Asian, 0.0011%; no homozygotes.

Submissions (2):

Dubai Health Genomic Medicine Center, Dubai Health
Classification: Likely pathogenic for Congenital myopathy 11. Last evaluated: 2024-10-04. Review status: criteria provided, single submitter. Criteria: ACMG Guidelines, 2015. Collection method: research. Allele origin: germline. Affected: yes.
Comment: PVS1,PM2

OMIM
Classification: Pathogenic for CONGENITAL MYOPATHY 11. Last evaluated: 2024-07-16. Review status: no assertion criteria provided. Collection method: literature only. Allele origin: germline. Not counted in ClinVar's aggregate classification.

Literature cited by the submitters: PubMed 33354762 (cited by OMIM).